The following is an entry in ClinVar:

ClinVar aggregate classification (germline): Benign (1 of 4 stars; one submission).

Allele frequency attached by ClinVar (database versions not stated): gnomAD 0.01535 and 0.01622; TOPMed 0.01782; 1000 Genomes Project 0.01797; 1000 Genomes Project 30x 0.01874.
gnomAD v4.1: 2,312 of 152,220 alleles (1.5%); highest among the groups gnomAD compares: African/African-American, 5%; 50 homozygotes.

Submission:

GeneDx
Classification: Benign. Last evaluated: 2018-06-16. Review status: criteria provided, single submitter. Criteria: GeneDx Variant Classification (06012015). Collection method: clinical testing. Allele origin: germline. Affected: yes.
Comment: This variant is considered likely benign or benign based on one or more of the following criteria: it is a conservative change, it occurs at a poorly conserved position in the protein, it is predicted to be benign by multiple in silico algorithms, and/or has population frequency not consistent with disease.

NM_001035.3(RYR2):c.7733+252C>A

Gene: RYR2 (ryanodine receptor 2; plus strand). Cytogenetic location: 1q43.
Variant type: single nucleotide variant.
Coding change: c.7733+252C>A on transcript NM_001035.3 (MANE Select); 252 bases into the intron after coding-DNA position 7733, C replaced by A.
Molecular consequence: intron variant.
Genome position (GRCh38, 1-based): chr1:237,650,349, C>A. VCF-style: chr1-237650349-C-A. GRCh37 (hg19) VCF-style: chr1-237813649-C-A.
Identifiers: ClinVar variation 673862 (VCV000673862.1), dbSNP rs115141379, ClinGen allele CA39798317.
Genomic context (GRCh38, chr1:237,650,349, plus strand): 5'-CCTCCAAGCCTCCCTAGGGTATCCAGCTGTTGGATATAGCTTTTGACCAGTTACAGAATA[C>A]TATTCTGGATGTTGGGAGTGGGGAGTAATTGTGTTGGGAGTCCTTGGCCACTTTAGGTGA-3'